The following is an entry in ClinVar:

NM_018082.6(POLR3B):c.592G>T (p.Ala198Ser)

Gene: POLR3B (RNA polymerase III subunit B; plus strand). Cytogenetic location: 12q23.3.
Variant type: single nucleotide variant.
Coding change: c.592G>T on transcript NM_018082.6 (MANE Select); coding-DNA position 592, G replaced by T.
Protein change: p.Ala198Ser; replaces alanine 198 with serine.
Molecular consequence: missense variant.
Genome position (GRCh38, 1-based): chr12:106,378,362, G>T. VCF-style: chr12-106378362-G-T. GRCh37 (hg19) VCF-style: chr12-106772140-G-T.
Other names: c.418G>T, p.Ala140Ser (NM_001160708.2); short protein forms A140S, A198S.
Identifiers: ClinVar variation 1499272 (VCV001499272.14), dbSNP rs1489218816, ClinGen allele CA386386750.

ClinVar aggregate classification (germline): Uncertain significance. Review status: criteria provided, multiple submitters, no conflicts (2 of 4 stars). 2 submissions from 2 submitters: Uncertain significance (2). Last evaluated 2025-06-01.

Allele frequency attached by ClinVar (database versions not stated): gnomAD exomes below 0.00001 and 0.00001; TOPMed below 0.00001.

Submissions (2):

CeGaT Center for Human Genetics Tuebingen
Classification: Uncertain significance. Last evaluated: 2025-06-01. Review status: criteria provided, single submitter. Criteria: CeGaT Center For Human Genetics Tuebingen Variant Classification Criteria Version 2. Collection method: clinical testing. Allele origin: germline. Affected: yes. Observed: 1 variant allele.
Comment: POLR3B: PM2, BP4

Labcorp Genetics (formerly Invitae), Labcorp
Classification: Uncertain significance. Last evaluated: 2023-07-21. Review status: criteria provided, single submitter. Criteria: Invitae Variant Classification Sherloc (09022015). Collection method: clinical testing. Allele origin: germline.
Comment: This sequence change replaces alanine, which is neutral and non-polar, with serine, which is neutral and polar, at codon 198 of the POLR3B protein (p.Ala198Ser). This variant is present in population databases (no rsID available, gnomAD 0.0009%). This variant has not been reported in the literature in individuals affected with POLR3B-related conditions. ClinVar contains an entry for this variant (Variation ID: 1499272). Advanced modeling of protein sequence and biophysical properties (such as structural, functional, and spatial information, amino acid conservation, physicochemical variation, residue mobility, and thermodynamic stability) performed at Invitae indicates that this missense variant is not expected to disrupt POLR3B protein function. In summary, the available evidence is currently insufficient to determine the role of this variant in disease. Therefore, it has been classified as a Variant of Uncertain Significance.